The following is an entry in ClinVar:

NM_002887.4(RARS1):c.650T>C (p.Ile217Thr)

Gene: RARS1 (arginyl-tRNA synthetase 1; plus strand). Cytogenetic location: 5q34.
Variant type: single nucleotide variant.
Coding change: c.650T>C on transcript NM_002887.4 (MANE Select); coding-DNA position 650, T replaced by C.
Protein change: p.Ile217Thr; replaces isoleucine 217 with threonine.
Molecular consequence: missense variant.
Genome position (GRCh38, 1-based): chr5:168,495,385, T>C. VCF-style: chr5-168495385-T-C. GRCh37 (hg19) VCF-style: chr5-167922390-T-C.
Other names: short protein forms I217T.
Identifiers: ClinVar variation 4976255 (VCV004976255.1).

ClinVar aggregate classification (germline): Uncertain significance (1 of 4 stars; one submission).

Submission:

GeneDx
Classification: Uncertain significance. Last evaluated: 2026-02-10. Review status: criteria provided, single submitter. Criteria: GeneDx Variant Classification Process June 2021. Collection method: clinical testing. Allele origin: germline.
Comment: Not observed at significant frequency in large population cohorts (gnomAD); In silico analysis supports that this missense variant has a deleterious effect on protein structure/function; Has not been previously published as pathogenic or benign to our knowledge